The following is an entry in ClinVar:

ClinVar aggregate classification (germline): Uncertain significance (1 of 4 stars; one submission).

Conditions:
Early-infantile DEE. Also called: Ohtahara syndrome; Early infantile epileptic encephalopathy with suppression bursts; Early infantile epileptic encephalopathy. Identifiers: Orphanet 1934, MedGen C0393706, MONDO:0800491.

Submission:

Labcorp Genetics (formerly Invitae), Labcorp
Classification: Uncertain significance for Early-infantile DEE. Last evaluated: 2021-05-03. Review status: criteria provided, single submitter. Criteria: Invitae Variant Classification Sherloc (09022015). Collection method: clinical testing. Allele origin: germline.
Comment: This sequence change replaces glutamic acid with aspartic acid at codon 301 of the SPTAN1 protein (p.Glu301Asp). The glutamic acid residue is highly conserved and there is a small physicochemical difference between glutamic acid and aspartic acid. This variant is not present in population databases (ExAC no frequency). This variant has not been reported in the literature in individuals with SPTAN1-related conditions. Algorithms developed to predict the effect of missense changes on protein structure and function (SIFT, PolyPhen-2, Align-GVGD) all suggest that this variant is likely to be disruptive, but these predictions have not been confirmed by published functional studies and their clinical significance is uncertain. In summary, the available evidence is currently insufficient to determine the role of this variant in disease. Therefore, it has been classified as a Variant of Uncertain Significance.

NM_001130438.3(SPTAN1):c.903G>T (p.Glu301Asp)

Gene: SPTAN1 (spectrin alpha, non-erythrocytic 1; plus strand). Cytogenetic location: 9q34.11.
Variant type: single nucleotide variant.
Coding change: c.903G>T on transcript NM_001130438.3 (MANE Select); coding-DNA position 903, G replaced by T.
Protein change: p.Glu301Asp; replaces glutamic acid 301 with aspartic acid.
Molecular consequence: missense variant.
Genome position (GRCh38, 1-based): chr9:128,577,246, G>T. VCF-style: chr9-128577246-G-T. GRCh37 (hg19) VCF-style: chr9-131339525-G-T.
Other names: c.903G>T, p.Glu301Asp (NM_001195532.2, NM_001363759.2, NM_001363765.2 and 5 more transcripts); c.939G>T, p.Glu313Asp (NM_001375312.2, NM_001375318.1); short protein forms E301D, E313D.
Identifiers: ClinVar variation 1477407 (VCV001477407.9), dbSNP rs2131012602, ClinGen allele CA375048862.
Genomic context (GRCh38, chr9:128,577,246, plus strand): 5'-TGATTTTGGCCGAGACCTGGCAAGTGTTCAGGCTCTGCTTCGGAAGCACGAGGGTCTGGA[G>T]AGAGATCTTGCTGCTCTAGAAGACAAGGTGGGTTTTACAAGCAGCTGATTCTGTAAATAA-3'
Protein context (NP_001123910.1, residues 291-311): QALLRKHEGL[Glu301Asp]RDLAALEDKV